The following is an entry in ClinVar:

ClinVar aggregate classification (germline): Uncertain significance. Review status: criteria provided, multiple submitters, no conflicts (2 of 4 stars). 4 submissions from 4 submitters: Uncertain significance (3). 1 of the submissions does not count toward it. Last evaluated 2024-03-13.

Conditions:
Pyruvate dehydrogenase E3 deficiency (DLDD). Also called: MAPLE SYRUP URINE DISEASE, TYPE III; Dihydrolipoamide Dehydrogenase Deficiency; Dihydrolipoamide Dehydrogenase (E3) Deficiency; Lipoamide dehydrogenase deficiency, lactic acidosis due to; Lipoamide dehydrogenase deficiency; DLD DEFICIENCY. Identifiers: Orphanet 2394, Orphanet 765, MedGen C5574660, MONDO:0009529, OMIM 246900.
Inborn genetic diseases. Identifiers: MedGen C0950123, MeSH D030342.

Allele frequency attached by ClinVar (database versions not stated): gnomAD exomes 0.00001 and 0.00002; ExAC 0.00002; gnomAD 0.00005 and 0.00006; TOPMed 0.00006; 1000 Genomes Project 30x 0.00016; 1000 Genomes Project 0.00020.
gnomAD v4.1: 23 of 1,613,264 alleles (0.0014%); highest among the groups gnomAD compares: African/African-American, 0.028%; no homozygotes.

Submissions (4):

GeneDx
Classification: Uncertain significance. Last evaluated: 2024-03-13. Review status: criteria provided, single submitter. Criteria: GeneDx Variant Classification Process June 2021. Collection method: clinical testing. Allele origin: germline. Affected: yes.
Comment: In silico analysis supports that this missense variant does not alter protein structure/function; Has not been previously published as pathogenic or benign to our knowledge

Ambry Genetics
Classification: Uncertain significance for Inborn genetic diseases. Last evaluated: 2022-02-10. Review status: criteria provided, single submitter. Criteria: Ambry Variant Classification Scheme 2023. Collection method: clinical testing. Allele origin: germline.

Labcorp Genetics (formerly Invitae), Labcorp
Classification: Uncertain significance for Pyruvate dehydrogenase E3 deficiency. Last evaluated: 2021-08-28. Review status: criteria provided, single submitter. Criteria: Invitae Variant Classification Sherloc (09022015). Collection method: clinical testing. Allele origin: germline.
Comment: This sequence change replaces asparagine with histidine at codon 498 of the DLD protein (p.Asn498His). The asparagine residue is moderately conserved and there is a small physicochemical difference between asparagine and histidine. This variant is present in population databases (rs564889609, ExAC 0.02%). This variant has not been reported in the literature in individuals affected with DLD-related conditions. Algorithms developed to predict the effect of missense changes on protein structure and function (SIFT, PolyPhen-2, Align-GVGD) all suggest that this variant is likely to be tolerated. In summary, the available evidence is currently insufficient to determine the role of this variant in disease. Therefore, it has been classified as a Variant of Uncertain Significance.

Natera, Inc.
Classification: Uncertain significance for Maple syrup urine disease type 3. Last evaluated: 2020-02-21. Review status: no assertion criteria provided. Collection method: clinical testing. Allele origin: germline. Not counted in ClinVar's aggregate classification.

NM_000108.5(DLD):c.1492A>C (p.Asn498His)

Gene: DLD (dihydrolipoamide dehydrogenase; plus strand). Cytogenetic location: 7q31.1.
Variant type: single nucleotide variant.
Coding change: c.1492A>C on transcript NM_000108.5 (MANE Select); coding-DNA position 1492, A replaced by C.
Protein change: p.Asn498His; replaces asparagine 498 with histidine.
Molecular consequence: missense variant.
Genome position (GRCh38, 1-based): chr7:107,919,221, A>C. VCF-style: chr7-107919221-A-C. GRCh37 (hg19) VCF-style: chr7-107559666-A-C.
Other names: c.1492A>C (NM_000108.3); c.1195A>C, p.Asn399His (NM_001289750.1); c.1423A>C, p.Asn475His (NM_001289751.1); c.1348A>C, p.Asn450His (NM_001289752.1); short protein forms N399H, N450H, N475H, N498H.
Identifiers: ClinVar variation 967330 (VCV000967330.11), dbSNP rs564889609, ClinGen allele CA4434732.